The following is an entry in ClinVar:

NM_001379286.1(ZNF423):c.3035T>C (p.Ile1012Thr)

Gene: ZNF423 (zinc finger protein 423; minus strand). Cytogenetic location: 16q12.1.
Variant type: single nucleotide variant.
Coding change: c.3035T>C on transcript NM_001379286.1 (MANE Select); coding-DNA position 3035, T replaced by C.
Protein change: p.Ile1012Thr; replaces isoleucine 1012 with threonine.
Molecular consequence: missense variant.
Genome position (GRCh38, 1-based): chr16:49,636,141, A>G on the plus strand (T>C on the coding strand, the complement: ZNF423 is on the minus strand). VCF-style: chr16-49636141-A-G. GRCh37 (hg19) VCF-style: chr16-49670052-A-G.
Other names: c.2831T>C, p.Ile944Thr (NM_001271620.2); c.2660T>C, p.Ile887Thr (NM_001330533.2); c.3011T>C, p.Ile1004Thr (NM_015069.5); short protein forms I887T, I1012T, I944T, I1004T.
Identifiers: ClinVar variation 1399452 (VCV001399452.6), dbSNP rs368801417, ClinGen allele CA8046394.

ClinVar aggregate classification (germline): Uncertain significance (1 of 4 stars; one submission).

Conditions:
Nephronophthisis 14 (NPHP14). Identifiers: Orphanet 2318, MedGen C3539071, MONDO:0013916, OMIM 614844.

Allele frequency attached by ClinVar (database versions not stated): ESP Exome Variant Server 0.00008; gnomAD exomes below 0.00001; ExAC 0.00001; gnomAD 0.00001; TOPMed 0.00002.
gnomAD v4.1: 4 of 1,613,768 alleles (0.00025%); highest among the groups gnomAD compares: African/African-American, 0.0013%; no homozygotes.

Submission:

Labcorp Genetics (formerly Invitae), Labcorp
Classification: Uncertain significance for Nephronophthisis 14. Last evaluated: 2021-11-14. Review status: criteria provided, single submitter. Criteria: Invitae Variant Classification Sherloc (09022015). Collection method: clinical testing. Allele origin: germline.
Comment: In summary, the available evidence is currently insufficient to determine the role of this variant in disease. Therefore, it has been classified as a Variant of Uncertain Significance. Algorithms developed to predict the effect of missense changes on protein structure and function (SIFT, PolyPhen-2, Align-GVGD) all suggest that this variant is likely to be tolerated. This variant has not been reported in the literature in individuals affected with ZNF423-related conditions. This variant is present in population databases (rs368801417, gnomAD 0.007%). This sequence change replaces isoleucine, which is neutral and non-polar, with threonine, which is neutral and polar, at codon 1004 of the ZNF423 protein (p.Ile1004Thr).